The following is an entry in ClinVar:

ClinVar aggregate classification (germline): Conflicting classifications of pathogenicity. Review status: criteria provided, conflicting classifications (1 of 4 stars). 4 submissions from 4 submitters: Uncertain significance (3); Likely benign (1). Last evaluated 2025-11-11.

Conditions:
Inborn genetic diseases. Identifiers: MedGen C0950123, MeSH D030342.
Hypokalemic periodic paralysis, type 1. Also called: Hypokalemic Periodic Paralysis Type 1 (AD); HypoPP. Identifiers: Orphanet 681, MedGen C3714580, MONDO:0042979, OMIM 170400.
Malignant hyperthermia, susceptibility to, 5 (MHS5). Also called: CACNA1S-Related Malignant Hyperthermia Susceptibility. Identifiers: Orphanet 423, MedGen C1866077, MONDO:0011163, OMIM 601887.
Thyrotoxic periodic paralysis, susceptibility to, 1 (TTPP1). Identifiers: Orphanet 79102, MedGen C2749982, MONDO:0008570, OMIM 188580.

Allele frequency attached by ClinVar (database versions not stated): gnomAD 0.00001; gnomAD exomes 0.00001 and 0.00006; TOPMed 0.00003; ExAC 0.00006.

Submissions (4):

Ambry Genetics
Classification: Uncertain significance for Inborn genetic diseases. Last evaluated: 2025-11-11. Review status: criteria provided, single submitter. Criteria: Ambry Variant Classification Scheme 2023. Collection method: clinical testing. Allele origin: germline.

Labcorp Genetics (formerly Invitae), Labcorp
Classification: Likely benign for Hypokalemic periodic paralysis, type 1; Malignant hyperthermia, susceptibility to, 5. Last evaluated: 2025-06-04. Review status: criteria provided, single submitter. Criteria: Invitae Variant Classification Sherloc (09022015). Collection method: clinical testing. Allele origin: germline.

Color Diagnostics, LLC DBA Color Health
Classification: Uncertain significance for Malignant hyperthermia, susceptibility to, 5. Last evaluated: 2024-12-11. Review status: criteria provided, single submitter. Criteria: ACMG Guidelines, 2015. Collection method: clinical testing. Allele origin: germline.
Comment: This missense variant replaces methionine with valine at codon 1056 of the CACNA1S protein. Computational prediction suggests that this variant may have deleterious impact on protein structure and function (internally defined REVEL score threshold >= 0.7, PMID: 27666373). To our knowledge, functional studies have not been reported for this variant. This variant has not been reported in individuals affected with CACNA1S-related disorders in the literature. This variant has been identified in 15/251486 chromosomes in the general population by the Genome Aggregation Database (gnomAD). The available evidence is insufficient to determine the role of this variant in disease conclusively. Therefore, this variant is classified as a Variant of Uncertain Significance.

Fulgent Genetics
Classification: Uncertain significance for Hypokalemic periodic paralysis, type 1; Thyrotoxic periodic paralysis, susceptibility to, 1; Malignant hyperthermia, susceptibility to, 5. Last evaluated: 2022-03-05. Review status: criteria provided, single submitter. Criteria: ACMG Guidelines, 2015. Collection method: clinical testing. Allele origin: unknown.

NM_000069.3(CACNA1S):c.3166A>G (p.Met1056Val)

Gene: CACNA1S (calcium voltage-gated channel subunit alpha1 S; minus strand). Cytogenetic location: 1q32.1.
Variant type: single nucleotide variant.
Coding change: c.3166A>G on transcript NM_000069.3 (MANE Select); coding-DNA position 3166, A replaced by G.
Protein change: p.Met1056Val; replaces methionine 1056 with valine.
Molecular consequence: missense variant.
Genome position (GRCh38, 1-based): chr1:201,061,356, T>C on the plus strand (A>G on the coding strand, the complement: CACNA1S is on the minus strand). VCF-style: chr1-201061356-T-C. GRCh37 (hg19) VCF-style: chr1-201030484-T-C.
Other names: short protein forms M1056V.
Identifiers: ClinVar variation 856074 (VCV000856074.13), dbSNP rs757165791, ClinGen allele CA079574.